The following is an entry in ClinVar:

ClinVar aggregate classification (germline): Likely benign. Review status: criteria provided, multiple submitters, no conflicts (2 of 4 stars). 3 submissions from 3 submitters: Likely benign (3). Last evaluated 2025-11-24.

Conditions:
ADGRV1-related disorder. Also called: ADGRV1-related condition; ADGRV1-related disorders.

Allele frequency attached by ClinVar (database versions not stated): gnomAD 0.00001 and 0.00003; TOPMed 0.00001; gnomAD exomes 0.00006; ExAC 0.00012.
gnomAD v4.1: 115 of 1,595,632 alleles (0.0072%); highest among the groups gnomAD compares: East Asian, 0.25%; no homozygotes.

Submissions (3):

PreventionGenetics, part of Exact Sciences
Classification: Likely benign for ADGRV1-related condition. Last evaluated: 2025-11-24. Review status: criteria provided, single submitter. Criteria: ACMG Guidelines, 2015. Collection method: clinical testing. Allele origin: germline.
Comment: This variant is classified as likely benign based on ACMG/AMP sequence variant interpretation guidelines (Richards et al. 2015 PMID: 25741868, with internal and published modifications).

Labcorp Genetics (formerly Invitae), Labcorp
Classification: Likely benign. Last evaluated: 2024-02-20. Review status: criteria provided, single submitter. Criteria: Invitae Variant Classification Sherloc (09022015). Collection method: clinical testing. Allele origin: germline.

Blueprint Genetics
Classification: Likely benign. Last evaluated: 2021-12-21. Review status: criteria provided, single submitter. Criteria: ACMG Guidelines, 2015. Collection method: clinical testing. Allele origin: germline.

NM_032119.4(ADGRV1):c.10427-4G>T

Gene: ADGRV1 (adhesion G protein-coupled receptor V1; plus strand). Cytogenetic location: 5q14.3.
Variant type: single nucleotide variant.
Coding change: c.10427-4G>T on transcript NM_032119.4 (MANE Select); 4 bases into the intron before coding-DNA position 10427, G replaced by T.
Molecular consequence: intron variant.
Genome position (GRCh38, 1-based): chr5:90,729,638, G>T. VCF-style: chr5-90729638-G-T. GRCh37 (hg19) VCF-style: chr5-90025455-G-T.
Identifiers: ClinVar variation 714510 (VCV000714510.10), dbSNP rs765179697, ClinGen allele CA3340747.